The following is an entry in ClinVar:

NM_006306.4(SMC1A):c.920A>G (p.His307Arg)

Gene: SMC1A (structural maintenance of chromosomes 1A; minus strand). Cytogenetic location: Xp11.22.
Variant type: single nucleotide variant.
Coding change: c.920A>G on transcript NM_006306.4 (MANE Select); coding-DNA position 920, A replaced by G.
Protein change: p.His307Arg; replaces histidine 307 with arginine.
Molecular consequence: missense variant.
Genome position (GRCh38, 1-based): chrX:53,412,188, T>C on the plus strand (A>G on the coding strand, the complement: SMC1A is on the minus strand). VCF-style: chrX-53412188-T-C. GRCh37 (hg19) VCF-style: chrX-53439138-T-C.
Other names: c.854A>G, p.His285Arg (NM_001281463.1); short protein forms H285R, H307R.
Identifiers: ClinVar variation 463887 (VCV000463887.1), dbSNP rs1556890616, ClinGen allele CA413257876.

ClinVar aggregate classification (germline): Uncertain significance (1 of 4 stars; one submission).

Conditions:
Congenital muscular hypertrophy-cerebral syndrome (CDLS2). Also called: Cornelia de Lange syndrome 2; SMC1A-Related Cornelia de Lange Syndrome. Identifiers: Orphanet 199, MedGen C1802395, MONDO:0010370, OMIM 300590.

Submission:

Labcorp Genetics (formerly Invitae), Labcorp
Classification: Uncertain significance for Congenital muscular hypertrophy-cerebral syndrome. Last evaluated: 2016-10-18. Review status: criteria provided, single submitter. Criteria: Invitae Variant Classification Sherloc (09022015). Collection method: clinical testing. Allele origin: germline.
Comment: This sequence change replaces histidine with arginine at codon 307 of the SMC1A protein (p.His307Arg). The histidine residue is highly conserved and there is a small physicochemical difference between histidine and arginine. This variant is not present in population databases (ExAC no frequency) and has not been reported in the literature in individuals with a SMC1A-related disease. Algorithms developed to predict the effect of missense changes on protein structure and function do not agree on the potential impact of this missense change (SIFT: "Tolerated"; PolyPhen-2: "Probably Damaging"; Align-GVGD: "Class C0"). In summary, this variant is a novel missense change with uncertain impact on protein function. It has been classified as a Variant of Uncertain Significance.